The following is an entry in ClinVar:

NM_001128840.3(CACNA1D):c.2042C>T (p.Thr681Met)

Gene: CACNA1D (calcium voltage-gated channel subunit alpha1 D; plus strand). Cytogenetic location: 3p21.1.
Variant type: single nucleotide variant.
Coding change: c.2042C>T on transcript NM_001128840.3 (MANE Select); coding-DNA position 2042, C replaced by T.
Protein change: p.Thr681Met; replaces threonine 681 with methionine.
Molecular consequence: missense variant.
Genome position (GRCh38, 1-based): chr3:53,723,941, C>T. VCF-style: chr3-53723941-C-T. GRCh37 (hg19) VCF-style: chr3-53757968-C-T.
Other names: c.2102C>T, p.Thr701Met (NM_000720.4); c.2042C>T, p.Thr681Met (NM_001128839.3); c.2102C>T (NM_000720.2); short protein forms T681M, T701M.
Identifiers: ClinVar variation 929994 (VCV000929994.10), dbSNP rs369605872, ClinGen allele CA2454116.

ClinVar aggregate classification (germline): Uncertain significance. Review status: criteria provided, multiple submitters, no conflicts (2 of 4 stars). 4 submissions from 4 submitters: Uncertain significance (4). Last evaluated 2025-10-13.

Conditions:
Inborn genetic diseases. Identifiers: MedGen C0950123, MeSH D030342.

Allele frequency attached by ClinVar (database versions not stated): gnomAD 0.00002; gnomAD exomes 0.00002 and 0.00006; ExAC 0.00005; TOPMed 0.00005.
gnomAD v4.1: 28 of 1,614,014 alleles (0.0017%); highest among the groups gnomAD compares: Admixed American, 0.017%; no homozygotes.

Submissions (4):

Women's Health and Genetics/Laboratory Corporation of America, LabCorp
Classification: Uncertain significance. Last evaluated: 2025-10-13. Review status: criteria provided, single submitter. Criteria: LabCorp Variant Classification Summary - May 2015. Collection method: clinical testing. Allele origin: germline.
Comment: Variant summary: CACNA1D c.2102C>T (p.Thr701Met) results in a non-conservative amino acid change in the encoded protein sequence. Algorithms developed to predict the effect of missense changes on protein structure and function all suggest that this variant is likely to be disruptive. The variant allele was found at a frequency of 5.6e-05 in 251436 control chromosomes. This frequency is not significantly higher than estimated for disease-causing variants in CACNA1D, allowing no conclusion about variant significance. To our knowledge, no occurrence of c.2102C>T in individuals affected with CACNA1D-related conditions and no experimental evidence demonstrating its impact on protein function have been reported. ClinVar contains an entry for this variant (Variation ID: 929994). Based on the evidence outlined above, the variant was classified as uncertain significance.

Labcorp Genetics (formerly Invitae), Labcorp
Classification: Uncertain significance. Last evaluated: 2025-06-12. Review status: criteria provided, single submitter. Criteria: Invitae Variant Classification Sherloc (09022015). Collection method: clinical testing. Allele origin: germline.
Comment: This sequence change replaces threonine, which is neutral and polar, with methionine, which is neutral and non-polar, at codon 701 of the CACNA1D protein (p.Thr701Met). This variant is present in population databases (rs369605872, gnomAD 0.04%). This variant has not been reported in the literature in individuals affected with CACNA1D-related conditions. ClinVar contains an entry for this variant (Variation ID: 929994). An algorithm developed to predict the effect of missense changes on protein structure and function (PolyPhen-2) suggests that this variant is likely to be disruptive. In summary, the available evidence is currently insufficient to determine the role of this variant in disease. Therefore, it has been classified as a Variant of Uncertain Significance.

Ambry Genetics
Classification: Uncertain significance for Inborn genetic diseases. Last evaluated: 2025-03-22. Review status: criteria provided, single submitter. Criteria: Ambry Variant Classification Scheme 2023. Collection method: clinical testing. Allele origin: germline.

Laboratory for Molecular Medicine, Mass General Brigham Personalized Medicine
Classification: Uncertain significance. Last evaluated: 2019-05-21. Review status: criteria provided, single submitter. Criteria: LMM Criteria. Collection method: clinical testing. Allele origin: germline. Observed: 1 variant allele.
Comment: The p.Thr701Met variant in CACNA1D has not been previously reported, but has been identified in 0.03% (7/18394) of East Asian chromosomes by gnomAD. Computational prediction tools and conservation analysis do not provide strong support for or against an impact to the protein. In summary, the clinical significance of this variant is uncertain. ACMG/AMP Criteria applied: PM2_Supporting.